The following is an entry in ClinVar:

ClinVar aggregate classification (germline): Uncertain significance (1 of 4 stars; one submission).

Conditions:
Early-infantile DEE. Also called: Ohtahara syndrome; Early infantile epileptic encephalopathy with suppression bursts; Early infantile epileptic encephalopathy. Identifiers: Orphanet 1934, MedGen C0393706, MONDO:0800491.

gnomAD v4.1: 2 of 1,611,888 alleles (0.00012%); highest among the groups gnomAD compares: Non-Finnish European, 0.000085%; no homozygotes.

Submission:

Labcorp Genetics (formerly Invitae), Labcorp
Classification: Uncertain significance for Early-infantile DEE. Last evaluated: 2024-02-17. Review status: criteria provided, single submitter. Criteria: Invitae Variant Classification Sherloc (09022015). Collection method: clinical testing. Allele origin: germline.
Comment: This sequence change replaces leucine, which is neutral and non-polar, with valine, which is neutral and non-polar, at codon 1034 of the CACNA2D2 protein (p.Leu1034Val). This variant is not present in population databases (gnomAD no frequency). This variant has not been reported in the literature in individuals affected with CACNA2D2-related conditions. ClinVar contains an entry for this variant (Variation ID: 961930). An algorithm developed to predict the effect of missense changes on protein structure and function (PolyPhen-2) suggests that this variant is likely to be tolerated. In summary, the available evidence is currently insufficient to determine the role of this variant in disease. Therefore, it has been classified as a Variant of Uncertain Significance.

NM_006030.4(CACNA2D2):c.3100C>G (p.Leu1034Val)

Genes: CACNA2D2 (calcium voltage-gated channel auxiliary subunit alpha2delta 2; minus strand), LOC127898564 (CYB561D2-LOC101928965; plus strand). Cytogenetic location: 3p21.31.
Variant type: single nucleotide variant.
Coding change: c.3100C>G on transcript NM_006030.4 (MANE Select); coding-DNA position 3100, C replaced by G.
Protein change: p.Leu1034Val; replaces leucine 1034 with valine.
Molecular consequence: missense variant.
Genome position (GRCh38, 1-based): chr3:50,365,183, G>C on the plus strand (C>G on the coding strand, the complement: CACNA2D2 is on the minus strand). VCF-style: chr3-50365183-G-C. GRCh37 (hg19) VCF-style: chr3-50402614-G-C.
Other names: c.3100C>G, p.Leu1034Val (NM_001005505.3); c.3121C>G, p.Leu1041Val (NM_001174051.3); c.2893C>G, p.Leu965Val (NM_001291101.1); short protein forms L1041V, L1034V, L965V.
Identifiers: ClinVar variation 961930 (VCV000961930.8), dbSNP rs1704171518, ClinGen allele CA352900815.
Genomic context (GRCh38, chr3:50,365,183, plus strand): 5'-GCGGCTTCTCGGCCACCACAAAGAGAAGATTGGTGTTGGTCAGTCTCTGCGCGTGGAACA[G>C]CCTGCGGGCAGCCCGGAAAGGCGGGGCGTTGAGTTTGCCCCGCCCTGACCCACCCCCATC-3'
Protein context (NP_006021.2, residues 1024-1044): AIIDCGNCSR[Leu1034Val]FHAQRLTNTN